The following is an entry in ClinVar:

NM_001130965.3(SUN1):c.1240G>A (p.Ala414Thr)

Gene: SUN1 (Sad1 and UNC84 domain containing 1; plus strand). Cytogenetic location: 7p22.3.
Variant type: single nucleotide variant.
Coding change: c.1240G>A on transcript NM_001130965.3 (MANE Select); coding-DNA position 1240, G replaced by A.
Protein change: p.Ala414Thr; replaces alanine 414 with threonine.
Molecular consequence: missense variant. On other transcripts: non-coding transcript variant (1), intron variant (6).
Genome position (GRCh38, 1-based): chr7:853,595, G>A. VCF-style: chr7-853595-G-A. GRCh37 (hg19) VCF-style: chr7-893232-G-A.
Other names: c.931G>A, p.Ala311Thr (NM_001171944.2); c.1240G>A, p.Ala414Thr (NM_001367633.1, NM_001367634.1, NM_001367653.1); c.889G>A, p.Ala297Thr (NM_001367635.1); c.1480G>A, p.Ala494Thr (NM_001367636.1, NM_001367691.1); c.1348G>A, p.Ala450Thr (NM_001367638.1); c.781G>A, p.Ala261Thr (NM_001367639.1); c.1420G>A, p.Ala474Thr (NM_001367640.1); c.1522G>A, p.Ala508Thr (NM_001367641.1, NM_001367682.1); and 44 more; short protein forms A364T, A368T, A392T, A400T, A401T, A423T, A428T, A441T.
Identifiers: ClinVar variation 947405 (VCV000947405.9), dbSNP rs574113932, ClinGen allele CA4112105.

ClinVar aggregate classification (germline): Uncertain significance. Review status: criteria provided, multiple submitters, no conflicts (2 of 4 stars). 2 submissions from 2 submitters: Uncertain significance (2). Last evaluated 2024-01-23.

Conditions:
Emery-Dreifuss muscular dystrophy (EDMD). Also called: Scapuloperoneal syndrome, X-linked (formerly); Humeroperoneal neuromuscular disease, (formerly). Identifiers: Orphanet 261, MedGen C0410189, MONDO:0016830.

Allele frequency attached by ClinVar (database versions not stated): ExAC 0.00002; gnomAD exomes 0.00002 and 0.00007; TOPMed 0.00005; gnomAD 0.00008; 1000 Genomes Project 30x 0.00016; 1000 Genomes Project 0.00020.
gnomAD v4.1: 107 of 1,605,408 alleles (0.0067%); highest among the groups gnomAD compares: African/African-American, 0.012%; no homozygotes.

Submissions (2):

Ambry Genetics
Classification: Uncertain significance. Last evaluated: 2024-01-23. Review status: criteria provided, single submitter. Criteria: Ambry Variant Classification Scheme 2023. Collection method: clinical testing. Allele origin: germline.

Labcorp Genetics (formerly Invitae), Labcorp
Classification: Uncertain significance for Emery-Dreifuss muscular dystrophy. Last evaluated: 2022-08-15. Review status: criteria provided, single submitter. Criteria: Invitae Variant Classification Sherloc (09022015). Collection method: clinical testing. Allele origin: germline.
Comment: In summary, the available evidence is currently insufficient to determine the role of this variant in disease. Therefore, it has been classified as a Variant of Uncertain Significance. Algorithms developed to predict the effect of sequence changes on RNA splicing suggest that this variant may create or strengthen a splice site. Algorithms developed to predict the effect of missense changes on protein structure and function output the following: SIFT: "Tolerated"; PolyPhen-2: "Benign"; Align-GVGD: "Class C0". The threonine amino acid residue is found in multiple mammalian species, which suggests that this missense change does not adversely affect protein function. ClinVar contains an entry for this variant (Variation ID: 947405). This variant has not been reported in the literature in individuals affected with SUN1-related conditions. This variant is present in population databases (rs574113932, gnomAD 0.02%). This sequence change replaces alanine, which is neutral and non-polar, with threonine, which is neutral and polar, at codon 414 of the SUN1 protein (p.Ala414Thr).